The following is an entry in ClinVar:

ClinVar aggregate classification (germline): Uncertain significance (1 of 4 stars; one submission).

Allele frequency attached by ClinVar (database versions not stated): gnomAD exomes 0.00001; ExAC 0.00002; gnomAD 0.00003; TOPMed 0.00008.
gnomAD v4.1: 16 of 1,613,442 alleles (0.00099%); highest among the groups gnomAD compares: Admixed American, 0.023%; no homozygotes.

Submission:

Labcorp Genetics (formerly Invitae), Labcorp
Classification: Uncertain significance. Last evaluated: 2023-11-13. Review status: criteria provided, single submitter. Criteria: Invitae Variant Classification Sherloc (09022015). Collection method: clinical testing. Allele origin: germline.
Comment: This sequence change replaces cysteine, which is neutral and slightly polar, with tyrosine, which is neutral and polar, at codon 19 of the MYH7B protein (p.Cys19Tyr). This variant is present in population databases (rs757560434, gnomAD 0.03%). This variant has not been reported in the literature in individuals affected with MYH7B-related conditions. Algorithms developed to predict the effect of missense changes on protein structure and function output the following: SIFT: "Not Available"; PolyPhen-2: "Possibly Damaging"; Align-GVGD: "Not Available". The tyrosine amino acid residue is found in multiple mammalian species, which suggests that this missense change does not adversely affect protein function. In summary, the available evidence is currently insufficient to determine the role of this variant in disease. Therefore, it has been classified as a Variant of Uncertain Significance.

NM_020884.7(MYH7B):c.-71G>A

Gene: MYH7B (myosin heavy chain 7B; plus strand). Cytogenetic location: 20q11.22.
Variant type: single nucleotide variant.
Coding change: c.-71G>A on transcript NM_020884.7 (MANE Select); 71 bases upstream of the start codon, G replaced by A.
Molecular consequence: 5 prime UTR variant.
Genome position (GRCh38, 1-based): chr20:34,977,935, G>A. VCF-style: chr20-34977935-G-A. GRCh37 (hg19) VCF-style: chr20-33565738-G-A.
Identifiers: ClinVar variation 2965228 (VCV002965228.3), dbSNP rs757560434, ClinGen allele CA9826265.
Genomic context (GRCh38, chr20:34,977,935, plus strand): 5'-GTCTTGTGGGTTGGGGGATCGTGCCCTAGTTCAGCTCCCTTGTCACTGCCATCTTCCAGT[G>A]CCTGCTGCCTTGGGCCGCCTTGAACCTCCAGGGTTTCCAGCTCCTCCTCCTTCACCCCAG-3'